The following continues an entry in ClinVar:

NM_000465.4(BARD1):c.1972C>T (p.Arg658Cys)

Gene: BARD1. ClinVar aggregate classification (germline): Benign/Likely benign. Benign (13); Likely benign (6).

Submission 23 of 23:

Department of Pathology and Laboratory Medicine, Sinai Health System
Classification: Likely benign for Malignant tumor of breast. Review status: no assertion criteria provided. Collection method: clinical testing. Allele origin: unknown. Affected: yes. Observed: 23 variant alleles. Study: The Canadian Open Genetics Repository (COGR). Not counted in ClinVar's aggregate classification.
Comment: The BARD1 p.Arg658Cys variant was identified in 9 of 2368 proband chromosomes (frequency: 0.004) from individuals or families with breast and/or ovarian cancer (Karppinen 2004, Klonowska 2015, Vahteristo 2006). The variant was also identified in the following databases: dbSNP (ID: rs3738888) as â€šÃ„ÃºWith other alleleâ€šÃ„Ã¹, ClinVar (6x, as benign by GeneDx, Ambry Genetics, Invitae, Color Genomics.Inc, and as likely benign by Illumina Clinical Services, Counsyl), Clinvitae (4x, as benign and likely benign), and Zhejiang Colon Cancer Database (6x, as probably pathogenic). The variant was not identified in Cosmic nor MutDB databases. The variant was identified in control databases in 2270 (11 homozygous) of 277098 chromosomes at a frequency of 0.008 in the following populations: Finnish in 336 of 25784 chromosomes (freq. 0.013), Latino in 425 of 34414 chromosomes (freq. 0.012), East Asian in 206 of 18868 chromosomes (freq. 0.01), European in 1067 of 126610 chromosomes (freq. 0.0084), other in 53 of 6462 chromosomes (freq. 0.008), South Asian in 125 of 30782 chromosomes (freq. 0.004), and African in 58 of 2403 chromosomes (freq. 0.0024), increasing the likelihood this could be a low frequency benign variant (Genome Aggregation Consortium Feb 27, 2017). Although the p.Arg658Cys residue is not conserved in mammals and other organisms, computational analyses (PolyPhen-2, SIFT, AlignGVGD, BLOSUM, MutationTaster) suggest that the variant may impact the protein. The variant occurs outside of the splicing consensus sequence and in silico or computational prediction software programs (SpliceSiteFinder, MaxEntScan, NNSPLICE, GeneSplicer, HumanSpliceFinder) do not predict a difference in splicing. There are conflicting predictions in the literature regarding the clinical significance of the p.Arg658Cys variant. Some studies refer to this variant as potentially pathological (Klonowska 2015), but functional studies do not predict clinical significance for this variant although it is in a functional domain (Lee 2015). In another study this variant has been utilized as putative benign polymorphism in multiple functional assays (Sauer 2005). In summary, based on the above information the clinical significance of this variant cannot be determined with certainty at this time although we would lean towards a more benign role for this variant. This variant is classified as likely benign.

Literature cited by the submitters: PubMed 9425226 (cited by Quest Diagnostics Nichols Institute San Juan Capistrano and Counsyl); PubMed 15342711 (cited by Quest Diagnostics Nichols Institute San Juan Capistrano and Counsyl); PubMed 16741161 (cited by Quest Diagnostics Nichols Institute San Juan Capistrano and Counsyl); PubMed 20077502 (cited by Quest Diagnostics Nichols Institute San Juan Capistrano and Counsyl); PubMed 16333312 (cited by Quest Diagnostics Nichols Institute San Juan Capistrano and Counsyl); PubMed 25994375 (cited by Quest Diagnostics Nichols Institute San Juan Capistrano and Counsyl); PubMed 26350354 (cited by Quest Diagnostics Nichols Institute San Juan Capistrano and Counsyl); PubMed 26010302 (cited by Quest Diagnostics Nichols Institute San Juan Capistrano); PubMed 16061562 (cited by Quest Diagnostics Nichols Institute San Juan Capistrano and Counsyl); PubMed 26307947 (cited by Quest Diagnostics Nichols Institute San Juan Capistrano); PubMed 19412175 (cited by 3 submitters); PubMed 23056176 (cited by Quest Diagnostics Nichols Institute San Juan Capistrano); PubMed 19584272 (cited by Quest Diagnostics Nichols Institute San Juan Capistrano and Counsyl); PubMed 27153395 (cited by Quest Diagnostics Nichols Institute San Juan Capistrano); PubMed 26329992 (cited by Quest Diagnostics Nichols Institute San Juan Capistrano); PubMed 25085752 (cited by Myriad Genetics, Inc.); PubMed 26315354 (cited by Counsyl).